The following is an entry in ClinVar:

ClinVar aggregate classification (germline): Likely benign. Review status: criteria provided, multiple submitters, no conflicts (2 of 4 stars). 3 submissions from 3 submitters: Likely benign (2). 1 of the submissions does not count toward it. Last evaluated 2026-01-15.

Conditions:
Immunodeficiency, common variable, 10. Also called: IMMUNODEFICIENCY, COMMON VARIABLE, WITH CENTRAL ADRENAL INSUFFICIENCY; DEFICIT IN ANTERIOR PITUITARY FUNCTION AND VARIABLE IMMUNODEFICIENCY. Identifiers: MedGen C3809991, MONDO:0014260, OMIM 615577.
NFKB2-related disorder. Also called: NFKB2-related condition.

Allele frequency attached by ClinVar (database versions not stated): 1000 Genomes Project 0.00020; ESP Exome Variant Server 0.00024; ExAC 0.00030; 1000 Genomes Project 30x 0.00031; gnomAD exomes 0.00039; TOPMed 0.00039; gnomAD 0.00041.
gnomAD v4.1: 764 of 1,613,860 alleles (0.047%); highest among the groups gnomAD compares: Admixed American, 0.063%; 1 homozygote.

Submissions (3):

Labcorp Genetics (formerly Invitae), Labcorp
Classification: Likely benign for Immunodeficiency, common variable, 10. Last evaluated: 2026-01-15. Review status: criteria provided, single submitter. Criteria: Invitae Variant Classification Sherloc (09022015). Collection method: clinical testing. Allele origin: germline.

Blueprint Genetics
Classification: Likely benign. Last evaluated: 2024-07-08. Review status: criteria provided, single submitter. Criteria: ACMG Guidelines, 2015. Collection method: clinical testing. Allele origin: germline.

PreventionGenetics, part of Exact Sciences
Classification: Likely benign for NFKB2-related condition. Last evaluated: 2022-09-15. Review status: no assertion criteria provided. Collection method: clinical testing. Allele origin: germline. Not counted in ClinVar's aggregate classification.
Comment: This variant is classified as likely benign based on ACMG/AMP sequence variant interpretation guidelines (Richards et al. 2015 PMID: 25741868, with internal and published modifications).

NM_001322934.2(NFKB2):c.2249C>T (p.Ala750Val)

Gene: NFKB2 (nuclear factor kappa B subunit 2; plus strand). Cytogenetic location: 10q24.32.
Variant type: single nucleotide variant.
Coding change: c.2249C>T on transcript NM_001322934.2 (MANE Select); coding-DNA position 2249, C replaced by T.
Protein change: p.Ala750Val; replaces alanine 750 with valine.
Molecular consequence: missense variant.
Genome position (GRCh38, 1-based): chr10:102,401,474, C>T. VCF-style: chr10-102401474-C-T. GRCh37 (hg19) VCF-style: chr10-104161231-C-T.
Other names: c.2249C>T, p.Ala750Val (NM_001077494.3, NM_001261403.3, NM_001288724.1 and 1 more transcripts); c.2123C>T, p.Ala708Val (NM_001322935.1); short protein forms A750V, A708V.
Identifiers: ClinVar variation 713865 (VCV000713865.14), dbSNP rs41293042, ClinGen allele CA5665037.
Genomic context (GRCh38, chr10:102,401,474, plus strand): 5'-GTGGGAGGTAGTCAGAACTGCGGCTGTCTCCCCAGGTGAAGACCTTGCTGCTAAATGCTG[C>T]TCAGAACACCATGGAGCCACCCCTGACCCCGCCCAGCCCAGCAGGTGAGAAGCATCAGGC-3'
Protein context (NP_001309863.1, residues 740-760): TKVKTLLLNA[Ala750Val]QNTMEPPLTP